The following is an entry in ClinVar:

ClinVar aggregate classification (germline): Likely benign (1 of 4 stars; one submission).

gnomAD v4.1: 2 of 1,614,102 alleles (0.00012%); highest among the groups gnomAD compares: South Asian, 0.0022%; no homozygotes.

Submission:

Mayo Clinic Laboratories, Mayo Clinic
Classification: Likely benign. Last evaluated: 2025-05-23. Review status: criteria provided, single submitter. Criteria: ACMG Guidelines, 2015. Collection method: clinical testing. Allele origin: germline. Observed: 1 variant allele.
Comment: BP4, BP7

NM_022436.3(ABCG5):c.174A>G (p.Thr58=)

Gene: ABCG5 (ATP binding cassette subfamily G member 5; minus strand). Cytogenetic location: 2p21.
Variant type: single nucleotide variant.
Coding change: c.174A>G on transcript NM_022436.3 (MANE Select); coding-DNA position 174, A replaced by G.
Protein change: p.Thr58=; no amino-acid change (threonine 58 retained).
Molecular consequence: synonymous variant.
Genome position (GRCh38, 1-based): chr2:43,837,925, T>C on the plus strand (A>G on the coding strand, the complement: ABCG5 is on the minus strand). VCF-style: chr2-43837925-T-C. GRCh37 (hg19) VCF-style: chr2-44065064-T-C.
Other names: p.Thr58=.
Identifiers: ClinVar variation 4684563 (VCV004684563.1).